The following is an entry in ClinVar:

NM_000321.3(RB1):c.2106+2T>C

Gene: RB1 (RB transcriptional corepressor 1; plus strand). Cytogenetic location: 13q14.2.
Variant type: single nucleotide variant.
Coding change: c.2106+2T>C on transcript NM_000321.3 (MANE Select); the canonical splice donor site of the intron after coding-DNA position 2106, T replaced by C.
Molecular consequence: splice donor variant.
Genome position (GRCh38, 1-based): chr13:48,459,835, T>C. VCF-style: chr13-48459835-T-C. GRCh37 (hg19) VCF-style: chr13-49033971-T-C.
Other names: c.2106+2T>C (NM_001407165.1).
Identifiers: ClinVar variation 574925 (VCV000574925.10), dbSNP rs1566235515, ClinGen allele CA388166987.
Genomic context (GRCh38, chr13:48,459,835, plus strand): 5'-TTTTCCAGCACACCCTGCAGAATGAGTATGAACTCATGAGAGACAGGCATTTGGACCAAG[T>C]AAGAAAATCAAGCACTTCACCTTCTCTCCTCCCTACTTACTTGTTAACTGATTCTTTCTT-3'

ClinVar aggregate classification (germline): Pathogenic. Review status: criteria provided, multiple submitters, no conflicts (2 of 4 stars). 4 submissions from 4 submitters: Pathogenic (4). Last evaluated 2024-05-01.

Conditions:
RB1-related disorder. Also called: RB1-related condition.
Retinoblastoma (RB1). Also called: RETINOBLASTOMA, SOMATIC. Identifiers: Orphanet 790, MedGen C0035335, MeSH D012175, MONDO:0008380, OMIM 180200, HP:0009919. Disease mechanism: loss of function. Inheritance: Both sporadic and heritable forms are tested..

Submissions (4):

Swedish National ChiCaP Initative, Genomic Medicine Sweden
Classification: Pathogenic for Retinoblastoma. Last evaluated: 2024-05-01. Review status: criteria provided, single submitter. Criteria: ACMG Guidelines, 2015. Collection method: clinical testing. Allele origin: germline. Affected: yes.

St. Jude Molecular Pathology, St. Jude Children's Research Hospital
Classification: Pathogenic for Retinoblastoma. Last evaluated: 2023-03-13. Review status: criteria provided, single submitter. Criteria: St. Jude Assertion Criteria 2020. Collection method: clinical testing. Allele origin: germline. Affected: yes.
Comment: The RB1 c.2106+2T>C intronic change results in a T to C substitution at the +2 position of intron 20 of the RB1 gene. This variant results in an aberrant transcript which removes 34 nucleotides at the 3’ end of exon 20 resulting in a frameshift and the creation of a premature stop codon (PMID: 29662154). This change is predicted to cause protein truncation or absence of the protein due to nonsense-mediated decay. This variant has been identified in individuals with a personal and/or family history of retinoblastoma (PMID: 12541220, 29662154, internal data). This variant is absent in gnomAD v2.1.1. In summary, this variant meets criteria to be classified as pathogenic.

Labcorp Genetics (formerly Invitae), Labcorp
Classification: Pathogenic for Retinoblastoma. Last evaluated: 2023-01-14. Review status: criteria provided, single submitter. Criteria: Invitae Variant Classification Sherloc (09022015). Collection method: clinical testing. Allele origin: germline.
Comment: For these reasons, this variant has been classified as Pathogenic. Studies have shown that disruption of this splice site alters mRNA splicing and is expected to lead to the loss of protein expression (PMID: 29662154). ClinVar contains an entry for this variant (Variation ID: 574925). Disruption of this splice site has been observed in individual(s) with retinoblastoma (PMID: 12541220, 16463005, 29662154). This variant is not present in population databases (gnomAD no frequency). This sequence change affects a donor splice site in intron 20 of the RB1 gene. It is expected to disrupt RNA splicing. Variants that disrupt the donor or acceptor splice site typically lead to a loss of protein function (PMID: 16199547), and loss-of-function variants in RB1 are known to be pathogenic (PMID: 17096365).

Blueprint Genetics
Classification: Pathogenic for RB1-related disorders. Last evaluated: 2020-10-08. Review status: criteria provided, single submitter. Criteria: ACMG Guidelines, 2015. Collection method: clinical testing. Allele origin: germline. Affected: yes. Observed: 1 variant allele.

Literature cited by the submitters: PubMed 29662154 (cited by Labcorp Genetics (formerly Invitae), Labcorp); PubMed 12541220 (cited by Labcorp Genetics (formerly Invitae), Labcorp); PubMed 16463005 (cited by Labcorp Genetics (formerly Invitae), Labcorp); PubMed 16199547 (cited by Labcorp Genetics (formerly Invitae), Labcorp); PubMed 17096365 (cited by Labcorp Genetics (formerly Invitae), Labcorp).